The following is an entry in ClinVar:

NM_007294.4(BRCA1):c.189A>T (p.Leu63Phe)

Gene: BRCA1 (BRCA1 DNA repair associated; minus strand). Cytogenetic location: 17q21.31.
Variant type: single nucleotide variant.
Coding change: c.189A>T on transcript NM_007294.4 (MANE Select); coding-DNA position 189, A replaced by T.
Protein change: p.Leu63Phe; replaces leucine 63 with phenylalanine.
Molecular consequence: missense variant. On other transcripts: non-coding transcript variant (1).
Genome position (GRCh38, 1-based): chr17:43,106,479, T>A on the plus strand (A>T on the coding strand, the complement: BRCA1 is on the minus strand). VCF-style: chr17-43106479-T-A. GRCh37 (hg19) VCF-style: chr17-41258496-T-A.
Other names: c.1A>T, p.Met1Leu (NM_001407571.1, NM_001407853.1, NM_001407879.1 and 58 more transcripts); c.189A>T, p.Leu63Phe (NM_001407581.1, NM_001407582.1, NM_001407583.1 and 168 more transcripts); c.48A>T, p.Leu16Phe (NM_001407692.1, NM_001407694.1, NM_001407695.1 and 99 more transcripts); short protein forms L63F, L16F, M1L.
Identifiers: ClinVar variation 54389 (VCV000054389.36), dbSNP rs80356956, ClinGen allele CA001240.
Genomic context (GRCh38, chr17:43,106,479, plus strand): 5'-GTTGCTTCCAACCTAGCATCATTACCAAATTATATACCTTTTGGTTATATCATTCTTACA[T>A]AAAGGACACTGTGAAGGCCCTTTCTTCTGGTTGAGAAGTTTCAGCATGCAAAATCTATAA-3'
Protein context (NP_009225.1, residues 53-73): NQKKGPSQCP[Leu63Phe]CKNDITKRSL

ClinVar aggregate classification (germline): Conflicting classifications of pathogenicity. Review status: criteria provided, conflicting classifications (1 of 4 stars). 12 submissions from 12 submitters: Uncertain significance (8); Benign (1); Likely benign (2). 1 of the submissions does not count toward it. Last evaluated 2026-01-28.

Conditions:
Hereditary cancer-predisposing syndrome. Also called: Tumor predisposition; Neoplastic Syndromes, Hereditary; Hereditary Cancer Syndrome; Hereditary neoplastic syndrome. Identifiers: Orphanet 140162, MedGen C0027672, MeSH D009386, MONDO:0015356.
Hereditary breast ovarian cancer syndrome. Also called: Hereditary breast and ovarian cancer syndrome (HBOC); Hereditary breast and ovarian cancer syndrome; Hereditary breast and ovarian cancer; Hereditary breast and/or ovarian cancer syndrome; Breast and ovarian cancer; BRCA1- and BRCA2-Associated Hereditary Breast and Ovarian Cancer. Identifiers: Orphanet 145, MedGen C0677776, MeSH D061325, MONDO:0003582. Disease mechanism: loss of function.
Breast-ovarian cancer, familial, susceptibility to, 1 (BROVCA1). Also called: OVARIAN CANCER, SUSCEPTIBILITY TO; BRCA1 Hereditary Breast and Ovarian Cancer. Identifiers: Orphanet 145, MedGen C2676676, MONDO:0011450, OMIM 604370. Disease mechanism: loss of function.

Allele frequency attached by ClinVar (database versions not stated): gnomAD exomes below 0.00001.
gnomAD v4.1: 5 of 1,602,802 alleles (0.00031%); highest among the groups gnomAD compares: Non-Finnish European, 0.00043%; no homozygotes.

Submissions 1 to 6 of 13:

Labcorp Genetics (formerly Invitae), Labcorp
Classification: Uncertain significance for Hereditary breast ovarian cancer syndrome. Last evaluated: 2026-01-28. Review status: criteria provided, single submitter. Criteria: Invitae Variant Classification Sherloc (09022015). Collection method: clinical testing. Allele origin: germline.
Comment: This sequence change replaces leucine, which is neutral and non-polar, with phenylalanine, which is neutral and non-polar, at codon 63 of the BRCA1 protein (p.Leu63Phe). This variant is present in population databases (rs80356956, gnomAD 0.0009%). This missense change has been observed in individual(s) with B-cell lymphoma and/or breast cancer (PMID: 26580448, 34326862). ClinVar contains an entry for this variant (Variation ID: 54389). Invitae Evidence Modeling incorporating data from in vitro experimental studies (PMID: 30209399) indicates that this missense variant is not expected to disrupt BRCA1 function with a negative predictive value of 95%. Experimental studies have shown that this missense change affects BRCA1 function (PMID: 12732733, 16403807, 25823446). In summary, the available evidence is currently insufficient to determine the role of this variant in disease. Therefore, it has been classified as a Variant of Uncertain Significance.

Lupski Lab, Baylor-Hopkins CMG, Baylor College of Medicine
Classification: Likely benign for Breast-ovarian cancer, familial, susceptibility to, 1. Last evaluated: 2024-04-12. Review status: criteria provided, single submitter. Criteria: Dawood et al. (medRxiv. 2024). Collection method: curation. Allele origin: germline.
Comment: Each variant was annotated with functional scores from MAVE data which was translated into functional evidence codes. All other evidence codes and combining criteria were adhered to as closely as possible based on the ClinGen VCEP (Variant Curation Expert Panel) gene-specific recommendations. See Supplemental Figure 34 of final paper (Supp Fig. 28 in preprint: doi:10.1101/2024.04.11.24305690) for a table to see which lines of evidence we did not have data for. The ClinGen VCEPs are highly regarded as the gold-standard for gene-specific variant curation and are developed after extensive evaluation of the evidence by clinical and scientific experts for the particular gene to classify genomic variants on a spectrum from pathogenic to benign using the 2015 ACMG/AMP Variant Interpretation Guidelines as a backbone (PMID: 25741868). Reclassification of these VUS variants from gnomAD or All of Us focused only on variants originally prescribed as VUS in ClinVar. To ensure reproducibility, transparency, and increased throughput, all the procedures for annotating variants and assigning evidence codes were codified using Python. All code has been made freely available and is linked in the Code Availability section and all reclassified variants with evidence codes used can be found in Tables S18-19 (preprint: doi:10.1101/2024.04.11.24305690). For the MAVE data, the clinical curation and clinical strength assignment as per the ClinGen recommendations in Brnich et al. (2020) (PMID: 31892348) for or against pathogenicity or benignity of each of these MAVE datasets utilized in this study were previously published in Fayer et al. (2021) (PMID: 34793697).In brief, for BRCA1 variants, if a variant was categorized as FUNC (functional), it was assigned BS3 evidence and no PS3 evidence, whereas if it was categorized as LOF (loss of function), the variant was assigned PS3 evidence and no BS3 evidence. Variants categorized as INT (intermediate) were left unannotated. For the BRCA1 combining criteria, greater than or equal to 1 criteria of strong benign evidence was enough to reclassify the VUS as Likely Benign. This variant GRCh38:17:43106479:T>A was assigned evidence codes ['BS3', 'BP4'] and an overall classification of Likely benign

Myriad Genetics, Inc.
Classification: Benign for Breast-ovarian cancer, familial, susceptibility to, 1. Last evaluated: 2024-04-09. Review status: criteria provided, single submitter. Criteria: Myriad Autosomal Dominant, Autosomal Recessive and X-Linked Classification Criteria (2023). Collection method: clinical testing. Allele origin: unknown.
Comment: This variant is considered benign. This variant is strongly associated with less severe personal and family histories of cancer, typical for individuals without pathogenic variants in this gene [PMID: 25085752]. This variant been observed in trans with a known pathogenic variant in one or more individuals. Compound heterozygosity for pathogenic variants in this gene is generally assumed to result in embryonic lethality.

All of Us Research Program, National Institutes of Health
Classification: Uncertain significance for Breast-ovarian cancer, familial, susceptibility to, 1. Last evaluated: 2024-01-11. Review status: criteria provided, single submitter. Criteria: ACMG Guidelines, 2015. Collection method: clinical testing. Allele origin: germline. Inheritance: Autosomal dominant inheritance. Observed: 2 variant alleles, 2 heterozygotes.
Comment: This missense variant replaces leucine with phenylalanine at codon 63 of the BRCA1 protein. Computational prediction is inconclusive regarding the impact of this variant on protein structure and function (internally defined REVEL score threshold 0.5 < inconclusive < 0.7, PMID: 27666373). Multiple functional studies have reported that the variant protein has reduced E3 ligase activity in vitro (PMID: 12732733, 16403807, 25823446). However, this variant also was reported to be functional in a haploid cell proliferation assay and a mammalian two-hybrid assay for BARD1 binding (PMID: 30209399, 35659930). This variant has been observed in individual affected with breast and/or ovarian cancer (PMID: 10923033, 11573085) and an individual affected with childhood onset leukemia (PMID: 26580448). This variant has been identified in 1/250784 chromosomes in the general population by the Genome Aggregation Database (gnomAD). The available evidence is insufficient to determine the role of this variant in disease conclusively. Therefore, this variant is classified as a Variant of Uncertain Significance.

This study involves interpretation of variants in research participants for the purpose of population health screening. Participant phenotype was not available at the time of variant classification. Additional details can be found in publication PMID: 35346344, PMCID: PMC8962531

Quest Diagnostics Nichols Institute San Juan Capistrano
Classification: Uncertain significance. Last evaluated: 2024-01-04. Review status: criteria provided, single submitter. Criteria: Quest Diagnostics criteria. Collection method: clinical testing. Allele origin: unknown.
Comment: The BRCA1 c.189A>T (p.Leu63Phe) variant has been reported in the published literature in an individual with acute lymphoblastic leukemia (PMID: 26580448 (2015)), as well as in an individual with an unspecified cancer (PMID: 34326862 (2021)). Functional studies found that this variant reduced E3 ligase activity in vitro (PMIDs: 12732733 (2003), 15674350 (2005), 16403807 (2006), 25823446 (2015)), however, it was also noted as functional in a haploid cell proliferation assay (PMID: 30209399 (2018)). RNA studies found no effect on splicing (PMIDs: 32123317 (2020) and 34663891 (2021)). The frequency of this variant in the general population, 0.000004 (1/250784 chromosomes (Genome Aggregation Database)), is uninformative in the assessment of its pathogenicity. Analysis of this variant using bioinformatics tools for the prediction of the effect of amino acid changes on protein structure and function yielded predictions that this variant is damaging. Based on the available information, we are unable to determine the clinical significance of this variant.

GeneDx
Classification: Uncertain significance. Last evaluated: 2023-12-12. Review status: criteria provided, single submitter. Criteria: GeneDx Variant Classification Process June 2021. Collection method: clinical testing. Allele origin: germline. Affected: yes.
Comment: In silico analysis supports that this missense variant has a deleterious effect on protein structure/function; Not observed at significant frequency in large population cohorts (gnomAD); Also known as 308A>T; This variant is associated with the following publications: (PMID: 16403807, 12732733, 15674350, 11573085, 16172191, 20967475, 26580448, 21309043, 25723446, 32123317, 25823446, 19088202, 30209399, 24489791, 34663891, 37797621, 34326862, 24389207, 20104584, 8944023)